The following is an entry in ClinVar:

NM_004456.5(EZH2):c.1695C>T (p.Cys565=)

Gene: EZH2 (enhancer of zeste 2 polycomb repressive complex 2 subunit; minus strand). Cytogenetic location: 7q36.1.
Variant type: single nucleotide variant.
Coding change: c.1695C>T on transcript NM_004456.5 (MANE Select); coding-DNA position 1695, C replaced by T.
Protein change: p.Cys565=; no amino-acid change (cysteine 565 retained).
Molecular consequence: synonymous variant.
Genome position (GRCh38, 1-based): chr7:148,814,115, G>A on the plus strand (C>T on the coding strand, the complement: EZH2 is on the minus strand). VCF-style: chr7-148814115-G-A. GRCh37 (hg19) VCF-style: chr7-148511207-G-A.
Other names: c.1680C>T, p.Cys560= (NM_001203247.2); c.1653C>T, p.Cys551= (NM_001203248.2); c.1527C>T, p.Cys509= (NM_001203249.2); c.1563C>T, p.Cys521= (NM_152998.3).
Identifiers: ClinVar variation 2658140 (VCV002658140.24), dbSNP rs753286051, ClinGen allele CA4547805.

ClinVar aggregate classification (germline): Likely benign (1 of 4 stars; one submission).

Allele frequency attached by ClinVar (database versions not stated): ExAC 0.00001.

Submission:

CeGaT Center for Human Genetics Tuebingen
Classification: Likely benign. Last evaluated: 2023-03-01. Review status: criteria provided, single submitter. Criteria: CeGaT Center For Human Genetics Tuebingen Variant Classification Criteria Version 2. Collection method: clinical testing. Allele origin: germline. Affected: yes. Observed: 1 variant allele.
Comment: EZH2: BP4, BP7